The following is an entry in ClinVar:

ClinVar aggregate classification (germline): Uncertain significance (1 of 4 stars; one submission).

Conditions:
BBS2-related disorder. Also called: BBS2-related condition; BBS2-related disorders. Identifiers: MedGen CN239228.

gnomAD v4.1: 1 of 1,613,816 alleles (0.000062%); highest among the groups gnomAD compares: Non-Finnish European, 0.000085%; no homozygotes.

Submission:

PreventionGenetics, part of Exact Sciences
Classification: Uncertain significance for BBS2-related condition. Last evaluated: 2025-11-13. Review status: criteria provided, single submitter. Criteria: ACMG Guidelines, 2015. Collection method: clinical testing. Allele origin: germline.
Comment: The BBS2 c.1958A>T variant is predicted to result in the amino acid substitution p.Asp653Val. To our knowledge, this variant has not been reported in the literature. This variant is reported in 0.00088% of alleles in individuals of European (Non-Finnish) descent in gnomAD. At this time, the clinical significance of this variant is uncertain due to the absence of conclusive functional and genetic evidence.

NM_031885.5(BBS2):c.1958A>T (p.Asp653Val)

Gene: BBS2 (Bardet-Biedl syndrome 2; minus strand). Cytogenetic location: 16q13.
Variant type: single nucleotide variant.
Coding change: c.1958A>T on transcript NM_031885.5 (MANE Select); coding-DNA position 1958, A replaced by T.
Protein change: p.Asp653Val; replaces aspartic acid 653 with valine.
Molecular consequence: missense variant. On other transcripts: non-coding transcript variant (5).
Genome position (GRCh38, 1-based): chr16:56,485,691, T>A on the plus strand (A>T on the coding strand, the complement: BBS2 is on the minus strand). VCF-style: chr16-56485691-T-A. GRCh37 (hg19) VCF-style: chr16-56519603-T-A.
Other names: c.1958A>T, p.Asp653Val (NM_001377456.1); short protein forms D653V.
Identifiers: ClinVar variation 4993721 (VCV004993721.1).